The following is an entry in ClinVar:

ClinVar aggregate classification (germline): Uncertain significance. Review status: criteria provided, multiple submitters, no conflicts (2 of 4 stars). 4 submissions from 4 submitters: Uncertain significance (4). Last evaluated 2024-04-09.

Conditions:
Cardiovascular phenotype. Identifiers: MedGen CN230736.
Catecholaminergic polymorphic ventricular tachycardia 1. Also called: RYR2-Related Catecholaminergic Polymorphic Ventricular Tachycardia; VENTRICULAR TACHYCARDIA, CATECHOLAMINERGIC POLYMORPHIC, 1, WITH OR WITHOUT ATRIAL DYSFUNCTION AND/OR DILATED CARDIOMYOPATHY; VENTRICULAR TACHYCARDIA, STRESS-INDUCED POLYMORPHIC 1. Identifiers: Orphanet 3286, MedGen C1631597, MONDO:0011484, OMIM 604772.

gnomAD v4.1: 1 of 1,612,984 alleles (0.000062%); highest among the groups gnomAD compares: East Asian, 0.0022%; no homozygotes.

Submissions (4):

Ambry Genetics
Classification: Uncertain significance for Cardiovascular phenotype. Last evaluated: 2024-04-09. Review status: criteria provided, single submitter. Criteria: Ambry Variant Classification Scheme 2023. Collection method: clinical testing. Allele origin: germline.
Comment: The p.A4741V variant (also known as c.14222C>T), located in coding exon 99 of the RYR2 gene, results from a C to T substitution at nucleotide position 14222. The alanine at codon 4741 is replaced by valine, an amino acid with similar properties. This alteration has been seen in a Japanese catecholaminergic polymorphic ventricular tachycardia (CPVT) cohort (Ohno S et al. PLoS One, 2015 Jun;10:e0131517). This alteration has also been reported in a cohort of subjects who experienced arrhythmia while playing video games (Lawley CM et al. Heart Rhythm, 2022 Nov;19:1826-1833). This amino acid position is highly conserved in available vertebrate species. In addition, this alteration is predicted to be deleterious by in silico analysis. Based on the available evidence, the clinical significance of this variant remains unclear.

Women's Health and Genetics/Laboratory Corporation of America, LabCorp
Classification: Uncertain significance. Last evaluated: 2024-03-29. Review status: criteria provided, single submitter. Criteria: LabCorp Variant Classification Summary - May 2015. Collection method: clinical testing. Allele origin: germline.
Comment: Variant summary: RYR2 c.14222C>T (p.Ala4741Val) results in a non-conservative amino acid change located in the ion transport domain (IPR005821) of the encoded protein sequence. Four of five in-silico tools predict a damaging effect of the variant on protein function. The variant was absent in 249004 control chromosomes (gnomAD). The available data on variant occurrences in the general population are insufficient to allow any conclusion about variant significance. c.14222C>T has been reported in the literature in an individual affected with Catecholaminergic Polymorphic Ventricular Tachycardia who also harbored a second RYR2 missense variant, both of which were inherited from the mother who suffered from syncope (Ohno_2015). This report does not provide unequivocal conclusions about association of the variant with Catecholaminergic Polymorphic Ventricular Tachycardia. To our knowledge, no experimental evidence demonstrating an impact on protein function has been reported. The following publications have been ascertained in the context of this evaluation (PMID: 29434162, 26114861, 32152366). ClinVar contains an entry for this variant (Variation ID: 1320542). Based on the evidence outlined above, the variant was classified as uncertain significance.

Labcorp Genetics (formerly Invitae), Labcorp
Classification: Uncertain significance for Catecholaminergic polymorphic ventricular tachycardia 1. Last evaluated: 2023-12-11. Review status: criteria provided, single submitter. Criteria: Invitae Variant Classification Sherloc (09022015). Collection method: clinical testing. Allele origin: germline.
Comment: This sequence change replaces alanine, which is neutral and non-polar, with valine, which is neutral and non-polar, at codon 4741 of the RYR2 protein (p.Ala4741Val). This variant is not present in population databases (gnomAD no frequency). This missense change has been observed in individual(s) with catecholaminergic polymorphic ventricular tachycardia (PMID: 26114861). ClinVar contains an entry for this variant (Variation ID: 1320542). Advanced modeling of protein sequence and biophysical properties (such as structural, functional, and spatial information, amino acid conservation, physicochemical variation, residue mobility, and thermodynamic stability) performed at Invitae indicates that this missense variant is expected to disrupt RYR2 protein function with a positive predictive value of 95%. In summary, the available evidence is currently insufficient to determine the role of this variant in disease. Therefore, it has been classified as a Variant of Uncertain Significance.

GeneDx
Classification: Uncertain significance. Last evaluated: 2021-05-06. Review status: criteria provided, single submitter. Criteria: GeneDx Variant Classification Process June 2021. Collection method: clinical testing. Allele origin: germline. Affected: yes.
Comment: Not observed in large population cohorts (Lek et al., 2016); In silico analysis supports that this missense variant has a deleterious effect on protein structure/function; Located in one of the three hot-spot regions of the RYR2 gene, where the majority of pathogenic missense variants occur (Medeiros-Domingo et al., 2009); This variant is associated with the following publications: (PMID: 29434162, 26114861)

Literature cited by the submitters: PubMed 26114861 (cited by 3 submitters); PubMed 29434162 (cited by Ambry Genetics and Women's Health and Genetics/Laboratory Corporation of America, LabCorp); PubMed 37850595 (cited by Ambry Genetics); PubMed 32152366 (cited by Women's Health and Genetics/Laboratory Corporation of America, LabCorp).

NM_001035.3(RYR2):c.14222C>T (p.Ala4741Val)

Gene: RYR2 (ryanodine receptor 2; plus strand). Cytogenetic location: 1q43.
Variant type: single nucleotide variant.
Coding change: c.14222C>T on transcript NM_001035.3 (MANE Select); coding-DNA position 14222, C replaced by T.
Protein change: p.Ala4741Val; replaces alanine 4741 with valine.
Molecular consequence: missense variant.
Genome position (GRCh38, 1-based): chr1:237,806,207, C>T. VCF-style: chr1-237806207-C-T. GRCh37 (hg19) VCF-style: chr1-237969507-C-T.
Other names: short protein forms A4741V.
Identifiers: ClinVar variation 1320542 (VCV001320542.13), dbSNP rs2149437594, ClinGen allele CA345423029.
Genomic context (GRCh38, chr1:237,806,207, plus strand): 5'-ACCTAGCCTGGTATATGACTATGTCTGTTCTTGGACACTATAACAACTTTTTTTTTGCCG[C>T]TCACCTTCTCGACATTGCTATGGGATTCAAGACATTAAGAACCATCTTGTCCTCAGTAAC-3'
Protein context (NP_001026.2, residues 4731-4751): LGHYNNFFFA[Ala4741Val]HLLDIAMGFK